The following is an entry in ClinVar:

NM_152281.3(GORAB):c.221del (p.Asn74fs)

Gene: GORAB (golgin, RAB6 interacting; plus strand). Cytogenetic location: 1q24.2.
Variant type: Deletion.
Coding change: c.221del on transcript NM_152281.3 (MANE Select); coding-DNA position 221, one base deleted (A; older notation c.221delA).
Protein change: p.Asn74fs; shifts the reading frame from asparagine 74.
Molecular consequence: frameshift variant. On other transcripts: 5 prime UTR variant (1), non-coding transcript variant (1).
Genome position (GRCh38, 1-based): chr1:170,539,369, A deleted; the last of 2 consecutive A bases (chr1:170,539,368-170,539,369); deleting either gives the same sequence. VCF-style (leftmost placement, unchanged base first): chr1-170539367-TA-T. GRCh37 (hg19) VCF-style: chr1-170508508-TA-T.
Other names: c.221del, p.Asn74fs (NM_001146039.2); c.-245del (NM_001320252.2); c.170del, p.Asn57fs (NM_001410894.1); short protein forms N57fs, N74fs.
Identifiers: ClinVar variation 2753828 (VCV002753828.3), dbSNP rs2525929426, ClinGen allele CA2697554650.

ClinVar aggregate classification (germline): Pathogenic (1 of 4 stars; one submission).

Submission:

Labcorp Genetics (formerly Invitae), Labcorp
Classification: Pathogenic. Last evaluated: 2023-08-18. Review status: criteria provided, single submitter. Criteria: Invitae Variant Classification Sherloc (09022015). Collection method: clinical testing. Allele origin: germline.
Comment: For these reasons, this variant has been classified as Pathogenic. This variant has not been reported in the literature in individuals affected with GORAB-related conditions. This variant is not present in population databases (gnomAD no frequency). This sequence change creates a premature translational stop signal (p.Asn99Thrfs*82) in the GORAB gene. It is expected to result in an absent or disrupted protein product. Loss-of-function variants in GORAB are known to be pathogenic (PMID: 18997784, 19681135).

Literature cited by the submitters: PubMed 18997784; PubMed 19681135.